The following is an entry in ClinVar:

NM_001382508.1(DROSHA):c.1869del (p.Phe623fs)

Gene: DROSHA (drosha ribonuclease III; minus strand). Cytogenetic location: 5p13.3.
Variant type: Deletion.
Coding change: c.1869del on transcript NM_001382508.1 (MANE Select); coding-DNA position 1869, one base deleted (C; older notation c.1869delC).
Protein change: p.Phe623fs; shifts the reading frame from phenylalanine 623.
Molecular consequence: frameshift variant.
Genome position (GRCh38, 1-based): chr5:31,486,536, G deleted on the plus strand (C on the coding strand, the reverse complement: DROSHA is on the minus strand). VCF-style (leftmost placement, unchanged base first): chr5-31486535-TG-T. GRCh37 (hg19) VCF-style: chr5-31486642-TG-T.
Other names: c.1758del, p.Phe586fs (NM_001100412.2); c.1869del, p.Phe623fs (NM_013235.5); c.1869delC (NM_013235.5); short protein forms F623fs, F586fs.
Identifiers: ClinVar variation 3393494 (VCV003393494.1).
Genomic context (GRCh38, chr5:31,486,535, plus strand): 5'-CAATCTTTTCCCTTACCTCCGGCATCATCTCTTCAATGAAATGAATCGTGTAGTCTATGT[TG>T]AATCTAATTACTTTACACAGTGGAATCTGCAATAAAAAGAAGTGAGGTTCAGTTCCCCAA-3'

ClinVar aggregate classification (oncogenicity): Likely oncogenic (0 of 4 stars; one submission).

Conditions:
Pineoblastoma. Identifiers: Orphanet 251909, MedGen C0205898, MONDO:0016722, HP:0030408.

Submission:

Center for Precision Oncology and Cancer Prevention, Roswell Park Comprehensive Cancer Center
Classification: Likely oncogenic for Pineoblastoma. Last evaluated: 2024-11-22. Review status: no assertion criteria provided. Collection method: clinical testing. Allele origin: somatic. Affected: yes. Observed: 1 variant allele.